The following is an entry in ClinVar:

ClinVar aggregate classification (germline): Uncertain significance (1 of 4 stars; one submission).

Conditions:
Cerebral cavernous malformation 2. Also called: Familial Cerebral Cavernous Malformation 2. Identifiers: Orphanet 221061, MedGen C1864041, MONDO:0011304, OMIM 603284.

gnomAD v4.1: 1 of 1,610,972 alleles (0.000062%); highest among the groups gnomAD compares: Non-Finnish European, 0.000085%; no homozygotes.

Submission:

Labcorp Genetics (formerly Invitae), Labcorp
Classification: Uncertain significance for Cerebral cavernous malformation 2. Last evaluated: 2024-11-25. Review status: criteria provided, single submitter. Criteria: Invitae Variant Classification Sherloc (09022015). Collection method: clinical testing. Allele origin: germline.
Comment: This sequence change replaces glutamine, which is neutral and polar, with arginine, which is basic and polar, at codon 300 of the CCM2 protein (p.Gln300Arg). This variant is present in population databases (no rsID available, gnomAD 0.007%). This variant has not been reported in the literature in individuals affected with CCM2-related conditions. Invitae Evidence Modeling of protein sequence and biophysical properties (such as structural, functional, and spatial information, amino acid conservation, physicochemical variation, residue mobility, and thermodynamic stability) indicates that this missense variant is not expected to disrupt CCM2 protein function with a negative predictive value of 80%. In summary, the available evidence is currently insufficient to determine the role of this variant in disease. Therefore, it has been classified as a Variant of Uncertain Significance.

NM_031443.4(CCM2):c.899A>G (p.Gln300Arg)

Gene: CCM2 (CCM2 scaffold protein; plus strand). Cytogenetic location: 7p13.
Variant type: single nucleotide variant.
Coding change: c.899A>G on transcript NM_031443.4 (MANE Select); coding-DNA position 899, A replaced by G.
Protein change: p.Gln300Arg; replaces glutamine 300 with arginine.
Molecular consequence: missense variant. On other transcripts: non-coding transcript variant (1).
Genome position (GRCh38, 1-based): chr7:45,073,555, A>G. VCF-style: chr7-45073555-A-G. GRCh37 (hg19) VCF-style: chr7-45113154-A-G.
Other names: c.962A>G, p.Gln321Arg (NM_001029835.2); c.725A>G, p.Gln242Arg (NM_001167934.2); c.626A>G, p.Gln209Arg (NM_001167935.2); c.1022A>G, p.Gln341Arg (NM_001363458.2); c.848A>G, p.Gln283Arg (NM_001363459.2); short protein forms Q300R, Q321R, Q341R, Q209R, Q242R, Q283R.
Identifiers: ClinVar variation 3716150 (VCV003716150.2).
Genomic context (GRCh38, chr7:45,073,555, plus strand): 5'-CACCCCACAGCAAGACCATCAGTGAGAGCGAGCTGAGCGCCAGCGCCACTGAGCTGCTGC[A>G]GGACTACATGCTGACGGTAGGCCTCCGCTGCAGGGACGCTGGGCTGCATGAGGGAGGGGG-3'
Protein context (NP_113631.1, residues 290-310): ELSASATELL[Gln300Arg]DYMLTLRTKL